The following is an entry in ClinVar:

NM_181712.5(KANK4):c.2256T>C (p.Leu752=)

Gene: KANK4 (KN motif and ankyrin repeat domains 4; minus strand). Cytogenetic location: 1p31.3.
Variant type: single nucleotide variant.
Coding change: c.2256T>C on transcript NM_181712.5 (MANE Select); coding-DNA position 2256, T replaced by C.
Protein change: p.Leu752=; no amino-acid change (leucine 752 retained).
Molecular consequence: synonymous variant.
Genome position (GRCh38, 1-based): chr1:62,266,795, A>G on the plus strand (T>C on the coding strand, the complement: KANK4 is on the minus strand). VCF-style: chr1-62266795-A-G. GRCh37 (hg19) VCF-style: chr1-62732467-A-G.
Other names: c.372T>C, p.Leu124= (NM_001320269.2).
Identifiers: ClinVar variation 3357390 (VCV003357390.1).
Genomic context (GRCh38, chr1:62,266,795, plus strand): 5'-GAGCTGGTCTGTGGTGGTCCCAGTTTCTGGCAGATGCTGGCTCAGTGCCCGGCATGCATT[A>G]AGAAATTCTTCTGAGGGTTTATATCTAAATAAAACAAACATATATACACATATTTATATA-3'
Protein context (NP_859063.3, residues 742-762): AERYKPSEEF[Leu752=]NACRALSQHL

ClinVar aggregate classification (germline): Likely benign (0 of 4 stars; one submission).

Conditions:
KANK4-related disorder. Also called: KANK4-related condition.

gnomAD v4.1: 1 of 1,611,480 alleles (0.000062%); highest among the groups gnomAD compares: Admixed American, 0.0017%; no homozygotes.

Submission:

PreventionGenetics, part of Exact Sciences
Classification: Likely benign for KANK4-related condition. Last evaluated: 2024-09-03. Review status: no assertion criteria provided. Collection method: clinical testing. Allele origin: germline.
Comment: This variant is classified as likely benign based on ACMG/AMP sequence variant interpretation guidelines (Richards et al. 2015 PMID: 25741868, with internal and published modifications).